The following is an entry in ClinVar:

ClinVar aggregate classification (germline): Benign. Review status: criteria provided, multiple submitters, no conflicts (2 of 4 stars). 4 submissions from 4 submitters: Benign (3). 1 of the submissions does not count toward it. Last evaluated 2024-03-04.

Conditions:
Hyperlipidemia, familial combined, susceptibility to. Identifiers: MedGen C4016424.

Allele frequency attached by ClinVar (database versions not stated): gnomAD exomes 0.02795; gnomAD 0.12186 and 0.12919; 1000 Genomes Project 0.13399; TOPMed 0.13588; 1000 Genomes Project 30x 0.14382.

Submissions (4):

Labcorp Genetics (formerly Invitae), Labcorp
Classification: Benign. Last evaluated: 2024-03-04. Review status: criteria provided, single submitter. Criteria: Invitae Variant Classification Sherloc (09022015). Collection method: clinical testing. Allele origin: germline.

GeneDx
Classification: Benign. Last evaluated: 2019-03-27. Review status: criteria provided, single submitter. Criteria: GeneDx Variant Classification Process June 2021. Collection method: clinical testing. Allele origin: germline. Affected: yes.
Comment: This variant is associated with the following publications: (PMID: 25566792, 27055971, 9017514, 18922999)

Breakthrough Genomics
Classification: Benign. Review status: criteria provided, single submitter. Criteria: ACMG Guidelines, 2015. Collection method: not provided. Allele origin: germline. Inheritance: Autosomal recessive inheritance. Affected: yes.

OMIM
Classification: risk factor for COMBINED HYPERLIPIDEMIA, FAMILIAL, SUSCEPTIBILITY TO. Last evaluated: 2001-02-01. Review status: no assertion criteria provided. Collection method: literature only. Allele origin: germline. Not counted in ClinVar's aggregate classification.

Literature cited by the submitters: PubMed 9550358 (cited by OMIM); PubMed 11260209 (cited by OMIM).

NC_000008.11:g.19939160T>G

Gene: LPL (lipoprotein lipase; plus strand). Cytogenetic location: 8p21.3.
Variant type: single nucleotide variant.
Genome position: GRCh38 VCF-style: chr8-19939160-T-G. GRCh37 (hg19) VCF-style: chr8-19796671-T-G.
Other names: -93T-G, PROMOTER.
Identifiers: ClinVar variation 362399 (VCV000362399.17), dbSNP rs1800590, ClinGen allele CA10625110.